The following is an entry in ClinVar:

NM_002485.5(NBN):c.902G>T (p.Gly301Val)

Gene: NBN (nibrin; minus strand). Cytogenetic location: 8q21.3.
Variant type: single nucleotide variant.
Coding change: c.902G>T on transcript NM_002485.5 (MANE Select); coding-DNA position 902, G replaced by T.
Protein change: p.Gly301Val; replaces glycine 301 with valine.
Molecular consequence: missense variant.
Genome position (GRCh38, 1-based): chr8:89,964,502, C>A on the plus strand (G>T on the coding strand, the complement: NBN is on the minus strand). VCF-style: chr8-89964502-C-A. GRCh37 (hg19) VCF-style: chr8-90976730-C-A.
Other names: c.656G>T, p.Gly219Val (NM_001024688.3); c.902G>T (NM_002485.4); short protein forms G219V, G301V.
Identifiers: ClinVar variation 1518118 (VCV001518118.6), dbSNP rs749857140, ClinGen allele CA371657156.

ClinVar aggregate classification (germline): Uncertain significance. Review status: criteria provided, multiple submitters, no conflicts (2 of 4 stars). 2 submissions from 2 submitters: Uncertain significance (2). Last evaluated 2022-12-22.

Conditions:
Microcephaly, normal intelligence and immunodeficiency (NBS). Also called: BERLIN BREAKAGE SYNDROME; Nijmegen breakage syndrome; Microcephaly with normal intelligence immunodeficiency and lymphoreticular malignancies; Nonsyndromal microcephaly autosomal recessive with normal intelligence; Seemanova syndrome 2; Ataxia telangiectasia variant V1. Identifiers: Orphanet 647, MedGen C0398791, MONDO:0009623, OMIM 251260.

Submissions (2):

GeneDx
Classification: Uncertain significance. Last evaluated: 2022-12-22. Review status: criteria provided, single submitter. Criteria: GeneDx Variant Classification Process June 2021. Collection method: clinical testing. Allele origin: germline. Affected: yes.
Comment: Not observed at significant frequency in large population cohorts (gnomAD); In silico analysis supports that this missense variant has a deleterious effect on protein structure/function; Has not been previously published as pathogenic or benign to our knowledge; This variant is associated with the following publications: (PMID: 24894818)

Labcorp Genetics (formerly Invitae), Labcorp
Classification: Uncertain significance for Microcephaly, normal intelligence and immunodeficiency. Last evaluated: 2021-09-09. Review status: criteria provided, single submitter. Criteria: Invitae Variant Classification Sherloc (09022015). Collection method: clinical testing. Allele origin: germline.
Comment: This sequence change replaces glycine with valine at codon 301 of the NBN protein (p.Gly301Val). The glycine residue is moderately conserved and there is a moderate physicochemical difference between glycine and valine. This variant is not present in population databases (ExAC no frequency). In summary, the available evidence is currently insufficient to determine the role of this variant in disease. Therefore, it has been classified as a Variant of Uncertain Significance. Algorithms developed to predict the effect of missense changes on protein structure and function are either unavailable or do not agree on the potential impact of this missense change (SIFT: "Deleterious"; PolyPhen-2: "Probably Damaging"; Align-GVGD: "Class C0"). This variant has not been reported in the literature in individuals affected with NBN-related conditions.